The following is an entry in ClinVar:

ClinVar aggregate classification (germline): Uncertain significance. Review status: criteria provided, multiple submitters, no conflicts (2 of 4 stars). 2 submissions from 2 submitters: Uncertain significance (2). Last evaluated 2024-12-14.

Conditions:
Inborn genetic diseases. Identifiers: MedGen C0950123, MeSH D030342.
Glycine encephalopathy. Also called: Nonketotic hyperglycinemia; Non-ketotic hyperglycinemia. Identifiers: Orphanet 407, MedGen C0751748, MONDO:0011612, HP:0008288.

Allele frequency attached by ClinVar (database versions not stated): gnomAD 0.00002.
gnomAD v4.1: 42 of 1,611,028 alleles (0.0026%); highest among the groups gnomAD compares: Non-Finnish European, 0.0033%; no homozygotes.

Submissions (2):

Ambry Genetics
Classification: Uncertain significance for Inborn genetic diseases. Last evaluated: 2024-12-14. Review status: criteria provided, single submitter. Criteria: Ambry Variant Classification Scheme 2023. Collection method: clinical testing. Allele origin: germline.

Labcorp Genetics (formerly Invitae), Labcorp
Classification: Uncertain significance for Glycine encephalopathy. Last evaluated: 2022-08-10. Review status: criteria provided, single submitter. Criteria: Invitae Variant Classification Sherloc (09022015). Collection method: clinical testing. Allele origin: germline.
Comment: This sequence change replaces proline, which is neutral and non-polar, with serine, which is neutral and polar, at codon 1003 of the GLDC protein (p.Pro1003Ser). This variant is present in population databases (rs751846463, gnomAD 0.002%). This variant has not been reported in the literature in individuals affected with GLDC-related conditions. Algorithms developed to predict the effect of missense changes on protein structure and function are either unavailable or do not agree on the potential impact of this missense change (SIFT: "Deleterious"; PolyPhen-2: "Probably Damaging"; Align-GVGD: "Class C0"). In summary, the available evidence is currently insufficient to determine the role of this variant in disease. Therefore, it has been classified as a Variant of Uncertain Significance.

NM_000170.3(GLDC):c.3007C>T (p.Pro1003Ser)

Gene: GLDC (glycine decarboxylase; minus strand). Cytogenetic location: 9p24.1.
Variant type: single nucleotide variant.
Coding change: c.3007C>T on transcript NM_000170.3 (MANE Select); coding-DNA position 3007, C replaced by T.
Protein change: p.Pro1003Ser; replaces proline 1003 with serine.
Molecular consequence: missense variant.
Genome position (GRCh38, 1-based): chr9:6,533,073, G>A on the plus strand (C>T on the coding strand, the complement: GLDC is on the minus strand). VCF-style: chr9-6533073-G-A. GRCh37 (hg19) VCF-style: chr9-6533073-G-A.
Other names: short protein forms P1003S.
Identifiers: ClinVar variation 2058504 (VCV002058504.2), dbSNP rs751846463, ClinGen allele CA188643279.
Genomic context (GRCh38, chr9:6,533,073, plus strand): 5'-AGGACTAAGAAGACGCCCTCTTTTGTTCAGAAAATGGAGACTCATAAACTTCCATGGGTG[G>A]GCAGGTACAAACCAGGTGCTGATCTCCATATATGTCATCAATCCGGGCAATCGTTGGCCA-3'
Protein context (NP_000161.2, residues 993-1013): YGDQHLVCTC[Pro1003Ser]PMEVYESPFS